The following is an entry in ClinVar:

NM_000070.3(CAPN3):c.1838del (p.Lys613fs)

Gene: CAPN3 (calpain 3; plus strand). Cytogenetic location: 15q15.1.
Variant type: Deletion.
Coding change: c.1838del on transcript NM_000070.3 (MANE Select); coding-DNA position 1838, one base deleted (A; older notation c.1838delA).
Protein change: p.Lys613fs; shifts the reading frame from lysine 613.
Molecular consequence: frameshift variant. On other transcripts: intron variant (3).
Genome position (GRCh38, 1-based): chr15:42,408,248, A deleted; the last of 2 consecutive A bases (chr15:42,408,247-42,408,248); deleting either gives the same sequence. VCF-style (leftmost placement, unchanged base first): chr15-42408246-CA-C. GRCh37 (hg19) VCF-style: chr15-42700444-CA-C.
Other names: NM_000070.3(CAPN3):c.1838del; p.Lys613fs; c.1820del, p.Lys607fs (NM_024344.2); c.302del, p.Lys101fs (NM_173088.2); c.1639-1055del (NM_173087.2); c.-81-1055del (NM_173090.2, NM_173089.2); c.1838delA (NM_000070.2); short protein forms K101fs, K613fs, K607fs.
Identifiers: ClinVar variation 554906 (VCV000554906.14), dbSNP rs1555422832, ClinGen allele CA489885447.

ClinVar aggregate classification (germline): Pathogenic. Review status: reviewed by expert panel (3 of 4 stars). 6 submissions from 6 submitters: Pathogenic (1). 5 of the submissions do not count toward it. Last evaluated 2025-01-09.

Conditions:
Muscular dystrophy, limb-girdle, autosomal dominant 4. Also called: MUSCULAR DYSTROPHY, LIMB-GIRDLE, TYPE 1I; Calpain-3-related limb-girdle muscular dystrophy D4. Identifiers: Orphanet 565909, MedGen C4748295, MONDO:0029133, OMIM 618129.
Autosomal recessive limb-girdle muscular dystrophy type 2A (LGMDR1). Also called: Muscular dystrophy, limb-girdle, type 2A, Amish; LEYDEN-MOEBIUS MUSCULAR DYSTROPHY; MUSCULAR DYSTROPHY, PELVOFEMORAL; Limb-girdle muscular dystrophy, type 2A; Calpainopathy. Identifiers: Orphanet 267, MedGen C1869123, MONDO:0009675, OMIM 253600. Disease mechanism: loss of function.
Autosomal recessive limb-girdle muscular dystrophy. Identifiers: Orphanet 102015, MedGen C2931907, MONDO:0015152.

Submissions (6):

ClinGen Limb Girdle Muscular Dystrophy Variant Curation Expert Panel, ClinGen
Classification: Pathogenic for Autosomal recessive limb-girdle muscular dystrophy. Last evaluated: 2025-01-09. Review status: reviewed by expert panel. Criteria: ClinGen LGMD VCEP ACMG Specifications CAPN3 V1.0.0. Collection method: curation. Allele origin: germline. Inheritance: Autosomal recessive inheritance.
Comment: The NM_000070.3: c.1838del p.(Lys613ArgfsTer49) variant in CAPN3 is a frameshift variant predicted to cause a premature stop codon in biologically relevant exon 17/24, leading to nonsense mediated decay in a gene in which loss of function is an established disease mechanism (PVS1). This variant has been detected in at least three individuals with features of limb girdle muscular dystrophy (PMID: 16607617, 18055493, ClinVar SCV000953543.3 internal data communication), including confirmed in trans with a pathogenic variant (c.1079G>A p.(Trp360Ter), 1.0 pt, ClinVar SCV000953543.3 internal data communication) (PM3). At least one patient with this variant was clinically suspected to have limb girdle muscular dystrophy or showed progressive limb girdle muscle weakness (PP4). This variant is absent from gnomAD v2.1.1 and v3.1.2 (PM2_Supporting). In summary, this variant meets the criteria to be classified as Pathogenic for autosomal recessive limb girdle muscular dystrophy based on the ACMG/AMP criteria applied, as specified by the ClinGen LGMD VCEP (LGMD VCEP specifications version 1.0.0; 01/09/2025): PVS1, PM3, PP4, PM2_Supporting.

Natera, Inc.
Classification: Pathogenic for Limb-girdle muscular dystrophy type 2A. Last evaluated: 2025-12-29. Review status: criteria provided, single submitter. Criteria: Natera Variant Classification Schema (03/2026). Collection method: clinical testing. Allele origin: germline. Not counted in ClinVar's aggregate classification.
Comment: The c.1838delA variant in CAPN3 is a frameshift variant predicted to shift the reading frame beginning at codon 613 and leads to a stop codon 49 codons downstream. This variant is expected to result in nonsense mediated decay, truncation, or a dysfunctional protein product. This variant is rare in the general population with a frequency below the threshold expected for the associated phenotype(s). This variant has been observed in one or more individuals affected with the associated recessive disease, as either homozygous or compound heterozygous with a second variant (PMID: 18055493). Given the available evidence, this variant is classified as Pathogenic.

Labcorp Genetics (formerly Invitae), Labcorp
Classification: Pathogenic for Autosomal recessive limb-girdle muscular dystrophy type 2A. Last evaluated: 2024-03-20. Review status: criteria provided, single submitter. Criteria: Invitae Variant Classification Sherloc (09022015). Collection method: clinical testing. Allele origin: germline. Not counted in ClinVar's aggregate classification.
Comment: This sequence change creates a premature translational stop signal (p.Lys613Argfs*49) in the CAPN3 gene. It is expected to result in an absent or disrupted protein product. Loss-of-function variants in CAPN3 are known to be pathogenic (PMID: 10330340, 15689361). This variant is not present in population databases (gnomAD no frequency). This premature translational stop signal has been observed in individual(s) with autosomal recessive CAPN3-related conditions (PMID: 10330340, 16607617, 18055493). In at least one individual the data is consistent with being in trans (on the opposite chromosome) from a pathogenic variant. ClinVar contains an entry for this variant (Variation ID: 554906). Algorithms developed to predict the effect of sequence changes on RNA splicing suggest that this variant may disrupt the consensus splice site. For these reasons, this variant has been classified as Pathogenic.

Baylor Genetics
Classification: Pathogenic for Muscular dystrophy, limb-girdle, autosomal dominant 4. Last evaluated: 2023-07-26. Review status: criteria provided, single submitter. Criteria: ACMG Guidelines, 2015. Collection method: clinical testing. Allele origin: unknown. Not counted in ClinVar's aggregate classification.

Revvity Omics, Revvity
Classification: Pathogenic. Last evaluated: 2019-07-03. Review status: criteria provided, single submitter. Criteria: ACMG Guidelines, 2015. Collection method: clinical testing. Allele origin: germline. Not counted in ClinVar's aggregate classification.

Counsyl
Classification: Pathogenic for Autosomal recessive limb-girdle muscular dystrophy type 2A. Last evaluated: 2017-11-08. Review status: no assertion criteria provided. Collection method: clinical testing. Allele origin: unknown. Not counted in ClinVar's aggregate classification.

Literature cited by the submitters: PubMed 18055493 (cited by 3 submitters); PubMed 10330340 (cited by Labcorp Genetics (formerly Invitae), Labcorp and Counsyl); PubMed 15689361 (cited by Labcorp Genetics (formerly Invitae), Labcorp); PubMed 16607617 (cited by Labcorp Genetics (formerly Invitae), Labcorp).